The following is an entry in ClinVar:

NM_001854.4(COL11A1):c.3115-2A>T

Gene: COL11A1 (collagen type XI alpha 1 chain; minus strand). Cytogenetic location: 1p21.1.
Variant type: single nucleotide variant.
Coding change: c.3115-2A>T on transcript NM_001854.4 (MANE Select); the canonical splice acceptor site of the intron before coding-DNA position 3115, A replaced by T.
Molecular consequence: splice acceptor variant.
Genome position (GRCh38, 1-based): chr1:102,961,921, T>A on the plus strand (A>T on the coding strand, the complement: COL11A1 is on the minus strand). VCF-style: chr1-102961921-T-A. GRCh37 (hg19) VCF-style: chr1-103427477-T-A.
Other names: c.2998-2A>T (NM_001190709.2); c.3151-2A>T (NM_080629.3); c.2767-2A>T (NM_080630.4).
Identifiers: ClinVar variation 3655033 (VCV003655033.2).

ClinVar aggregate classification (germline): Likely pathogenic (1 of 4 stars; one submission).

Submission:

Labcorp Genetics (formerly Invitae), Labcorp
Classification: Likely pathogenic. Last evaluated: 2024-08-08. Review status: criteria provided, single submitter. Criteria: Invitae Variant Classification Sherloc (09022015). Collection method: clinical testing. Allele origin: germline.
Comment: This sequence change affects an acceptor splice site in intron 40 of the COL11A1 gene. It is expected to disrupt RNA splicing. Variants that disrupt the donor or acceptor splice site typically lead to a loss of protein function (PMID: 16199547), and loss-of-function variants in COL11A1 are known to be pathogenic (PMID: 20513134, 21035103, 23922384, 25240749, 32427345, 32756486). This variant is not present in population databases (gnomAD no frequency). This variant has not been reported in the literature in individuals affected with COL11A1-related conditions. Algorithms developed to predict the effect of sequence changes on RNA splicing suggest that this variant may disrupt the consensus splice site. In summary, the currently available evidence indicates that the variant is pathogenic, but additional data are needed to prove that conclusively. Therefore, this variant has been classified as Likely Pathogenic.

Literature cited by the submitters: PubMed 16199547; PubMed 20513134; PubMed 21035103; PubMed 23922384; PubMed 25240749; PubMed 32427345; PubMed 32756486.